The following is an entry in ClinVar:

NC_000004.11:g.(527771_532941)_(533990_?)del

Gene: PIGG (phosphatidylinositol glycan anchor biosynthesis class G (EMM blood group); plus strand). Cytogenetic location: 4p16.3.
Variant type: Deletion.
Identifiers: ClinVar variation 3336150 (VCV003336150.1).

ClinVar aggregate classification (germline): Uncertain significance (1 of 4 stars; one submission).

Submission:

Women's Health and Genetics/Laboratory Corporation of America, LabCorp
Classification: Uncertain significance. Last evaluated: 2024-05-06. Review status: criteria provided, single submitter. Criteria: LabCorp Variant Classification Summary - May 2015. Collection method: clinical testing. Allele origin: germline.
Comment: Variant summary: The variant involves the deletion of exon 13 in the PIGG gene. A presumed nomenclature of c.(2735+1_2736-1)_(*832_?)del has been designated for the purposes of this classification. The exact breakpoint at the distal 3' end of this variant is unknown, therefore this deletion may extend downstream of the annotated region of the gene. As it encompasses the termination codon, it is predicted to escape nonsense mediated decay (NMD). The variant was absent in 21694 control chromosomes (gnomAD SVs v2 database). To our knowledge, no occurrence of c.(2735+1_2736-1)_(*832_?)del in individuals affected with Intellectual Disability, Autosomal Recessive 53 and no experimental evidence demonstrating its impact on protein function have been reported. ClinVar contains an entry for this variant (Variation ID: 2423738). Based on the evidence outlined above, the variant was classified as VUS.